The following is an entry in ClinVar:

NM_000535.7(PMS2):c.2161C>A (p.Gln721Lys)

Gene: PMS2 (PMS1 homolog 2, mismatch repair system component; minus strand). Cytogenetic location: 7p22.1.
Variant type: single nucleotide variant.
Coding change: c.2161C>A on transcript NM_000535.7 (MANE Select); coding-DNA position 2161, C replaced by A.
Protein change: p.Gln721Lys; replaces glutamine 721 with lysine.
Molecular consequence: missense variant. On other transcripts: non-coding transcript variant (1).
Genome position (GRCh38, 1-based): chr7:5,982,837, G>T on the plus strand (C>A on the coding strand, the complement: PMS2 is on the minus strand). VCF-style: chr7-5982837-G-T. GRCh37 (hg19) VCF-style: chr7-6022468-G-T.
Other names: c.1756C>A, p.Gln586Lys (NM_001018040.1, NM_001322003.2, NM_001322004.2 and 15 more transcripts); c.2005C>A, p.Gln669Lys (NM_001322006.2, NM_001406870.1); c.1843C>A, p.Gln615Lys (NM_001322007.2, NM_001322008.2, NM_001406876.1 and 1 more transcripts); c.1600C>A, p.Gln534Lys (NM_001322010.2, NM_001406906.1, NM_001406907.1); c.1228C>A, p.Gln410Lys (NM_001322011.2, NM_001322012.2); c.1588C>A, p.Gln530Lys (NM_001322013.2, NM_001406909.1); c.2161C>A, p.Gln721Lys (NM_001322014.2, NM_001406871.1); c.1852C>A, p.Gln618Lys (NM_001322015.2, NM_001406875.1, NM_001406877.1 and 5 more transcripts); and 13 more; short protein forms Q320K, Q534K, Q566K, Q665K, Q729K, Q783K, Q410K, Q550K.
Identifiers: ClinVar variation 1786919 (VCV001786919.2), dbSNP rs1782436364, ClinGen allele CA366737866.
Genomic context (GRCh38, chr7:5,982,837, plus strand): 5'-TCTTCAATTTGAGGGGGAGTCTGGGAATGAACACTAAACACACTCACGCTATGAGCCTCT[G>T]CCCCTGGAGCACGGTGTGCTGCTGCAGCATCTCGAAGTTATACTTCTCGTCCGTGGCATG-3'
Protein context (NP_000526.2, residues 711-731): MLQQHTVLQG[Gln721Lys]RLIAPQTLNL

ClinVar aggregate classification (germline): Uncertain significance (1 of 4 stars; one submission).

Conditions:
Hereditary cancer-predisposing syndrome. Also called: Neoplastic Syndromes, Hereditary; Tumor predisposition; Hereditary Cancer Syndrome; Hereditary neoplastic syndrome. Identifiers: Orphanet 140162, MedGen C0027672, MeSH D009386, MONDO:0015356.

Submission:

Ambry Genetics
Classification: Uncertain significance for Hereditary cancer-predisposing syndrome. Last evaluated: 2022-10-05. Review status: criteria provided, single submitter. Criteria: Ambry Variant Classification Scheme 2023. Collection method: clinical testing. Allele origin: germline.
Comment: The p.Q721K variant (also known as c.2161C>A), located in coding exon 12 of the PMS2 gene, results from a C to A substitution at nucleotide position 2161. The glutamine at codon 721 is replaced by lysine, an amino acid with similar properties. This amino acid position is conserved. In addition, this alteration is predicted to be deleterious by in silico analysis. Since supporting evidence is limited at this time, the clinical significance of this alteration remains unclear.